The following is an entry in ClinVar:

NM_016239.4(MYO15A):c.8910_8939del (p.Val2971_Ala2980del)

Gene: MYO15A (myosin XVA; plus strand). Cytogenetic location: 17p11.2.
Variant type: Deletion.
Coding change: c.8910_8939del on transcript NM_016239.4 (MANE Select); coding-DNA positions 8910 to 8939, 30 bases deleted (CGTGGCCGCTGCTGTGGCCTCTGCAGCCGC).
Protein change: p.Val2971_Ala2980del.
Molecular consequence: inframe deletion.
Genome position (GRCh38, 1-based): chr17:18,157,843-18,157,872, CGTGGCCGCTGCTGTGGCCTCTGCAGCCGC deleted; deleting any 30 consecutive bases within chr17:18,157,835-18,157,872 gives the same sequence; the c. name uses the placement nearest the transcript's 3' end. VCF-style (leftmost placement, unchanged base first): chr17-18157834-AGCAGCCGCCGTGGCCGCTGCTGTGGCCTCT-A. GRCh37 (hg19) VCF-style: chr17-18061148-AGCAGCCGCCGTGGCCGCTGCTGTGGCCTCT-A.
Identifiers: ClinVar variation 1676878 (VCV001676878.7), dbSNP rs752936351, ClinGen allele CA8425307.
Genomic context (GRCh38, chr17:18,157,834, plus strand): 5'-GGTGCAGCCCGCTGCTGCCCCCGACTTCCTGCAGCTGCCAACGGAGCCAGGCCGCGGCCG[AGCAGCCGCCGTGGCCGCTGCTGTGGCCTCT>A]GCAGCCGCTGCACAGGAGGTGGGCCGCAGGAGAGAGGTGAGACCAGTGTGGGTGGGGTGG-3'

ClinVar aggregate classification (germline): Uncertain significance. Review status: criteria provided, multiple submitters, no conflicts (2 of 4 stars). 2 submissions from 2 submitters: Uncertain significance (2). Last evaluated 2025-12-02.

Submissions (2):

GeneDx
Classification: Uncertain significance. Last evaluated: 2025-12-02. Review status: criteria provided, single submitter. Criteria: GeneDx Variant Classification Process June 2021. Collection method: clinical testing. Allele origin: germline. Affected: yes.
Comment: Reported without a second variant in patient with hearing loss in published literature (PMID: 30733538); In-frame deletion of 10 amino acids in a non-repeat region; In silico analysis supports a deleterious effect on protein structure/function; This variant is associated with the following publications: (PMID: 30733538)

Labcorp Genetics (formerly Invitae), Labcorp
Classification: Uncertain significance. Last evaluated: 2022-10-22. Review status: criteria provided, single submitter. Criteria: Invitae Variant Classification Sherloc (09022015). Collection method: clinical testing. Allele origin: germline.
Comment: This variant, c.8910_8939del, results in the deletion of 10 amino acid(s) of the MYO15A protein (p.Val2971_Ala2980del), but otherwise preserves the integrity of the reading frame. The frequency data for this variant in the population databases is considered unreliable, as metrics indicate poor data quality at this position in the gnomAD database. This variant has been observed in individual(s) with deafness (PMID: 30733538). ClinVar contains an entry for this variant (Variation ID: 1676878). Experimental studies and prediction algorithms are not available or were not evaluated, and the functional significance of this variant is currently unknown. In summary, the available evidence is currently insufficient to determine the role of this variant in disease. Therefore, it has been classified as a Variant of Uncertain Significance.

Literature cited by the submitters: PubMed 30733538 (cited by Labcorp Genetics (formerly Invitae), Labcorp).